The following is an entry in ClinVar:

ClinVar aggregate classification (germline): Conflicting classifications of pathogenicity. Review status: criteria provided, conflicting classifications (1 of 4 stars). 3 submissions from 3 submitters: Pathogenic (1); Uncertain significance (1); VUS-low (1). Last evaluated 2026-07-26.

Conditions:
Posterior column ataxia-retinitis pigmentosa syndrome (RETSNS). Also called: RETINOPATHY-SENSORY NEUROPATHY SYNDROME. Identifiers: Orphanet 88628, MedGen C1836916, MONDO:0012177, OMIM 609033.

Allele frequency attached by ClinVar (database versions not stated): gnomAD exomes 0.00002 and 0.00001; ExAC 0.00002; gnomAD 0.00002.
gnomAD v4.1: 20 of 1,604,064 alleles (0.0012%); highest among the groups gnomAD compares: Admixed American, 0.0067%; no homozygotes.

Submissions (3):

Concord Molecular Medicine Laboratory, Concord Repatriation General Hospital
Classification: VUS-low for Posterior column ataxia-retinitis pigmentosa syndrome. Last evaluated: 2026-07-26. Review status: criteria provided, single submitter. Criteria: ACMG Guidelines, 2015. Collection method: clinical testing. Allele origin: germline. Observed: 1 variant allele, 1 homozygote.
Comment: No large copy number variation was detected in FLVCR1 via whole exome sequencing. There was no evidence of retinopathy on clinical review. In silico analysis predicted a pathogenic effect (REVEL 0.724).

Women's Health and Genetics/Laboratory Corporation of America, LabCorp
Classification: Uncertain significance. Last evaluated: 2025-05-21. Review status: criteria provided, single submitter. Criteria: LabCorp Variant Classification Summary - May 2015. Collection method: clinical testing. Allele origin: germline.
Comment: Variant summary: FLVCR1 c.1547G>A (p.Arg516Gln) results in a conservative amino acid change in the encoded protein sequence. Algorithms developed to predict the effect of missense changes on protein structure and function are either unavailable or do not agree on the potential impact of this missense change. The variant allele was found at a frequency of 2e-05 in 251214 control chromosomes (gnomAD). c.1547G>A has been observed in individuals affected with Posterior column ataxia-retinitis pigmentosa syndrome (Shaibani_2015). These data indicate that the variant may be associated with disease. To our knowledge, no experimental evidence demonstrating an impact on protein function has been reported. The following publication has been ascertained in the context of this evaluation (PMID: 24628582). ClinVar contains an entry for this variant (Variation ID: 1067891). Based on the evidence outlined above, the variant was classified as VUS-possibly pathogenic.

Labcorp Genetics (formerly Invitae), Labcorp
Classification: Pathogenic. Last evaluated: 2025-04-21. Review status: criteria provided, single submitter. Criteria: Invitae Variant Classification Sherloc (09022015). Collection method: clinical testing. Allele origin: germline.
Comment: This sequence change replaces arginine, which is basic and polar, with glutamine, which is neutral and polar, at codon 516 of the FLVCR1 protein (p.Arg516Gln). This variant is present in population databases (rs780752648, gnomAD 0.009%). This missense change has been observed in individual(s) with posterior column ataxia with retinitis pigmentosa (PMID: 24628582). In at least one individual the data is consistent with being in trans (on the opposite chromosome) from a pathogenic variant. It has also been observed to segregate with disease in related individuals. ClinVar contains an entry for this variant (Variation ID: 1067891). Invitae Evidence Modeling of protein sequence and biophysical properties (such as structural, functional, and spatial information, amino acid conservation, physicochemical variation, residue mobility, and thermodynamic stability) indicates that this missense variant is not expected to disrupt FLVCR1 protein function with a negative predictive value of 80%. For these reasons, this variant has been classified as Pathogenic.

Literature cited by the submitters: PubMed 24628582 (cited by Women's Health and Genetics/Laboratory Corporation of America, LabCorp and Labcorp Genetics (formerly Invitae), Labcorp).

NM_014053.4(FLVCR1):c.1547G>A (p.Arg516Gln)

Gene: FLVCR1 (FLVCR choline and heme transporter 1; plus strand). Cytogenetic location: 1q32.3.
Variant type: single nucleotide variant.
Coding change: c.1547G>A on transcript NM_014053.4 (MANE Select); coding-DNA position 1547, G replaced by A.
Protein change: p.Arg516Gln; replaces arginine 516 with glutamine.
Molecular consequence: missense variant.
Genome position (GRCh38, 1-based): chr1:212,895,007, G>A. VCF-style: chr1-212895007-G-A. GRCh37 (hg19) VCF-style: chr1-213068349-G-A.
Other names: c.1547G>A (NM_014053.3); short protein forms R516Q.
Identifiers: ClinVar variation 1067891 (VCV001067891.11), dbSNP rs780752648, ClinGen allele CA1386182.